The following is an entry in ClinVar:

NM_182914.3(SYNE2):c.140G>A (p.Arg47Lys)

Gene: SYNE2 (spectrin repeat containing nuclear envelope protein 2; plus strand). Cytogenetic location: 14q23.2.
Variant type: single nucleotide variant.
Coding change: c.140G>A on transcript NM_182914.3 (MANE Select); coding-DNA position 140, G replaced by A.
Protein change: p.Arg47Lys; replaces arginine 47 with lysine.
Molecular consequence: missense variant.
Genome position (GRCh38, 1-based): chr14:63,940,674, G>A. VCF-style: chr14-63940674-G-A. GRCh37 (hg19) VCF-style: chr14-64407392-G-A.
Other names: c.140G>A (NM_182914.2); c.140G>A, p.Arg47Lys (NM_015180.6); short protein forms R47K.
Identifiers: ClinVar variation 1994915 (VCV001994915.5), dbSNP rs772731543, ClinGen allele CA389934650.

ClinVar aggregate classification (germline): Uncertain significance (1 of 4 stars; one submission).

Conditions:
Emery-Dreifuss muscular dystrophy 5, autosomal dominant (EDMD5). Also called: EMERY-DREIFUSS MUSCULAR DYSTROPHY 5. Identifiers: Orphanet 261, MedGen C2751805, MONDO:0013072, OMIM 612999.

gnomAD v4.1: 1 of 1,614,064 alleles (0.000062%); highest among the groups gnomAD compares: East Asian, 0.0022%; no homozygotes.

Submission:

Labcorp Genetics (formerly Invitae), Labcorp
Classification: Uncertain significance for Emery-Dreifuss muscular dystrophy 5, autosomal dominant. Last evaluated: 2022-09-13. Review status: criteria provided, single submitter. Criteria: Invitae Variant Classification Sherloc (09022015). Collection method: clinical testing. Allele origin: germline.
Comment: This sequence change replaces arginine, which is basic and polar, with lysine, which is basic and polar, at codon 47 of the SYNE2 protein (p.Arg47Lys). This variant is not present in population databases (gnomAD no frequency). This variant has not been reported in the literature in individuals affected with SYNE2-related conditions. Algorithms developed to predict the effect of missense changes on protein structure and function output the following: SIFT: "Tolerated"; PolyPhen-2: "Benign"; Align-GVGD: "Class C0". The lysine amino acid residue is found in multiple mammalian species, which suggests that this missense change does not adversely affect protein function. In summary, the available evidence is currently insufficient to determine the role of this variant in disease. Therefore, it has been classified as a Variant of Uncertain Significance.